The following is an entry in ClinVar:

ClinVar aggregate classification (germline): Uncertain significance (1 of 4 stars; one submission).

Allele frequency attached by ClinVar (database versions not stated): TOPMed 0.00001; gnomAD 0.00001.
gnomAD v4.1: 12 of 1,613,770 alleles (0.00074%); highest among the groups gnomAD compares: Non-Finnish European, 0.00076%; no homozygotes.

Submission:

Labcorp Genetics (formerly Invitae), Labcorp
Classification: Uncertain significance. Last evaluated: 2022-02-23. Review status: criteria provided, single submitter. Criteria: Invitae Variant Classification Sherloc (09022015). Collection method: clinical testing. Allele origin: germline.
Comment: In summary, the available evidence is currently insufficient to determine the role of this variant in disease. Therefore, it has been classified as a Variant of Uncertain Significance. Algorithms developed to predict the effect of missense changes on protein structure and function are either unavailable or do not agree on the potential impact of this missense change (SIFT: "Tolerated"; PolyPhen-2: "Probably Damaging"; Align-GVGD: "Class C0"). This variant has not been reported in the literature in individuals affected with CISD2-related conditions. This variant is not present in population databases (gnomAD no frequency). This sequence change replaces glutamine, which is neutral and polar, with lysine, which is basic and polar, at codon 76 of the CISD2 protein (p.Gln76Lys).

NM_001008388.5(CISD2):c.226C>A (p.Gln76Lys)

Genes: SLC9B1 (solute carrier family 9 member B1; minus strand), CISD2 (CDGSH iron sulfur domain 2; plus strand). Cytogenetic location: 4q24.
Variant type: single nucleotide variant.
Coding change: c.226C>A on transcript NM_001008388.5 (MANE Select); coding-DNA position 226, C replaced by A.
Protein change: p.Gln76Lys; replaces glutamine 76 with lysine.
Molecular consequence: missense variant. On other transcripts: intron variant (1).
Genome position (GRCh38, 1-based): chr4:102,885,338, C>A. VCF-style: chr4-102885338-C-A. GRCh37 (hg19) VCF-style: chr4-103806495-C-A.
Other names: c.1333-10G>T (NM_001100874.3); short protein forms Q76K.
Identifiers: ClinVar variation 2102705 (VCV002102705.4), dbSNP rs766086013, ClinGen allele CA102700373.